The following is an entry in ClinVar:

NM_133510.4(RAD51B):c.248T>C (p.Leu83Ser)

Gene: RAD51B (RAD51 paralog B; plus strand). Cytogenetic location: 14q24.1.
Variant type: single nucleotide variant.
Coding change: c.248T>C on transcript NM_133510.4 (MANE Select); coding-DNA position 248, T replaced by C.
Protein change: p.Leu83Ser; replaces leucine 83 with serine.
Molecular consequence: missense variant. On other transcripts: 5 prime UTR variant (1).
Genome position (GRCh38, 1-based): chr14:67,835,129, T>C. VCF-style: chr14-67835129-T-C. GRCh37 (hg19) VCF-style: chr14-68301846-T-C.
Other names: c.248T>C, p.Leu83Ser (NM_001321809.2, NM_001321810.2, NM_001321812.1 and 6 more transcripts); c.134T>C, p.Leu45Ser (NM_001321815.1); c.-208T>C (NM_001321817.2); short protein forms L45S, L83S.
Identifiers: ClinVar variation 5027755 (VCV005027755.1).

ClinVar aggregate classification (germline): Uncertain significance (1 of 4 stars; one submission).

gnomAD v4.1: 9 of 1,614,090 alleles (0.00056%); highest among the groups gnomAD compares: Non-Finnish European, 0.00068%; no homozygotes.

Submission:

Ambry Genetics
Classification: Uncertain significance. Last evaluated: 2026-09-14. Review status: criteria provided, single submitter. Criteria: Ambry Variant Classification Scheme 2023. Collection method: clinical testing. Allele origin: germline.
Comment: The p.L83S variant (also known as c.248T>C), located in coding exon 3 of the RAD51B gene, results from a T to C substitution at nucleotide position 248. The leucine at codon 83 is replaced by serine, an amino acid with dissimilar properties. This amino acid position is highly conserved in available vertebrate species. In addition, the in silico prediction for this alteration is inconclusive. The evidence for this gene-disease relationship is limited; therefore, the clinical significance of this variant is unclear.